The following is an entry in ClinVar:

NM_015122.3(FCHO1):c.896G>A (p.Arg299Gln)

Gene: FCHO1 (FCH and mu domain containing endocytic adaptor 1; plus strand). Cytogenetic location: 19p13.11.
Variant type: single nucleotide variant.
Coding change: c.896G>A on transcript NM_015122.3 (MANE Select); coding-DNA position 896, G replaced by A.
Protein change: p.Arg299Gln; replaces arginine 299 with glutamine.
Molecular consequence: missense variant. On other transcripts: non-coding transcript variant (36).
Genome position (GRCh38, 1-based): chr19:17,774,454, G>A. VCF-style: chr19-17774454-G-A. GRCh37 (hg19) VCF-style: chr19-17885263-G-A.
Other names: c.896G>A, p.Arg299Gln (NM_001161357.2, NM_001161358.2, NM_001384370.1 and 25 more transcripts); c.746G>A, p.Arg249Gln (NM_001161359.2, NM_001384384.1, NM_001384385.1 and 3 more transcripts); c.857G>A, p.Arg286Gln (NM_001384388.1, NM_001384389.1, NM_001384405.1); c.821G>A, p.Arg274Gln (NM_001384390.1); c.851G>A, p.Arg284Gln (NM_001384403.1); c.896G>A (NM_001161357.1); short protein forms R249Q, R284Q, R274Q, R286Q, R299Q.
Identifiers: ClinVar variation 1472049 (VCV001472049.8), dbSNP rs778997679, ClinGen allele CA9300284.
Genomic context (GRCh38, chr19:17,774,454, plus strand): 5'-CGATGAAACGTTTGCGGGGAGCCAAGGCCTTTCGCCTTCCAGGACTAAGCCGGCGGGAGC[G>A]GGAGCCAGAGCCACCTGCAGCTGTGTGAGGAAGCACCCCTGCCCGGTCTGGCCCAGGCTA-3'
Protein context (NP_055937.1, residues 289-309): FRLPGLSRRE[Arg299Gln]EPEPPAAVDF

ClinVar aggregate classification (germline): Uncertain significance. Review status: criteria provided, multiple submitters, no conflicts (2 of 4 stars). 2 submissions from 2 submitters: Uncertain significance (2). Last evaluated 2025-01-05.

Allele frequency attached by ClinVar (database versions not stated): gnomAD 0.00001; TOPMed 0.00001; ExAC 0.00002; gnomAD exomes 0.00002.

Submissions (2):

Labcorp Genetics (formerly Invitae), Labcorp
Classification: Uncertain significance. Last evaluated: 2025-01-05. Review status: criteria provided, single submitter. Criteria: Invitae Variant Classification Sherloc (09022015). Collection method: clinical testing. Allele origin: germline.
Comment: This sequence change replaces arginine, which is basic and polar, with glutamine, which is neutral and polar, at codon 299 of the FCHO1 protein (p.Arg299Gln). This variant is present in population databases (rs778997679, gnomAD 0.008%). This variant has not been reported in the literature in individuals affected with FCHO1-related conditions. ClinVar contains an entry for this variant (Variation ID: 1472049). An algorithm developed to predict the effect of missense changes on protein structure and function (PolyPhen-2) suggests that this variant is likely to be disruptive. In summary, the available evidence is currently insufficient to determine the role of this variant in disease. Therefore, it has been classified as a Variant of Uncertain Significance.

Ambry Genetics
Classification: Uncertain significance. Last evaluated: 2023-08-28. Review status: criteria provided, single submitter. Criteria: Ambry Variant Classification Scheme 2023. Collection method: clinical testing. Allele origin: germline.